The following is an entry in ClinVar:

NM_001371596.2(MFSD8):c.1291C>G (p.Pro431Ala)

Gene: MFSD8 (major facilitator superfamily domain containing 8; minus strand). Cytogenetic location: 4q28.2.
Variant type: single nucleotide variant.
Coding change: c.1291C>G on transcript NM_001371596.2 (MANE Select); coding-DNA position 1291, C replaced by G.
Protein change: p.Pro431Ala; replaces proline 431 with alanine.
Molecular consequence: missense variant.
Genome position (GRCh38, 1-based): chr4:127,921,583, G>C on the plus strand (C>G on the coding strand, the complement: MFSD8 is on the minus strand). VCF-style: chr4-127921583-G-C. GRCh37 (hg19) VCF-style: chr4-128842738-G-C.
Other names: c.1090C>G, p.Pro364Ala (NM_001363520.3); c.976C>G, p.Pro326Ala (NM_001363521.3); c.1156C>G, p.Pro386Ala (NM_001371590.2); c.1291C>G, p.Pro431Ala (NM_001371591.2, NM_152778.4); c.1297C>G, p.Pro433Ala (NM_001371592.2); c.1177C>G, p.Pro393Ala (NM_001371593.2); c.1144C>G, p.Pro382Ala (NM_001371594.2); c.1009C>G, p.Pro337Ala (NM_001371595.1); and 2 more; short protein forms P326A, P337A, P364A, P382A, P386A, P393A, P431A, P433A.
Identifiers: ClinVar variation 1054694 (VCV001054694.6), dbSNP rs2148839575, ClinGen allele CA358171084.
Genomic context (GRCh38, chr4:127,921,583, plus strand): 5'-CCTGAGGTTTTGGTCCTAGAATTTTTGAATATAGAGTATAGGACATAAGATTGCAGACTG[G>C]ATAGCCTAATCCTATTAGCACAGCTGATGTAAGGAACTGGGCCAGATGAATCACCGGGGT-3'
Protein context (NP_001358525.1, residues 421-441): TSAVLIGLGY[Pro431Ala]VCNLMSYTLY

ClinVar aggregate classification (germline): Uncertain significance. Review status: criteria provided, multiple submitters, no conflicts (2 of 4 stars). 4 submissions from 4 submitters: Uncertain significance (3). 1 of the submissions does not count toward it. Last evaluated 2021-08-27.

Conditions:
Neuronal ceroid lipofuscinosis 7 (CLN7). Also called: MFSD8-Related Neuronal Ceroid-Lipofuscinosis. Identifiers: Orphanet 168491, Orphanet 228366, MedGen C1838571, MONDO:0012588, OMIM 610951.
Late-infantile neuronal ceroid lipofuscinosis. Also called: Jansky-Bielschowsky disease. Identifiers: MedGen C0022340, MONDO:0015674.
MF5D8-related disorder.

gnomAD v4.1: 1 of 1,614,170 alleles (0.000062%); highest among the groups gnomAD compares: Middle Eastern, 0.016%; no homozygotes.

Submissions (4):

Labcorp Genetics (formerly Invitae), Labcorp
Classification: Uncertain significance for Neuronal ceroid lipofuscinosis 7. Last evaluated: 2021-08-27. Review status: criteria provided, single submitter. Criteria: Invitae Variant Classification Sherloc (09022015). Collection method: clinical testing. Allele origin: germline.
Comment: This sequence change replaces proline with alanine at codon 431 of the MFSD8 protein (p.Pro431Ala). The proline residue is highly conserved and there is a small physicochemical difference between proline and alanine. This variant is not present in population databases (ExAC no frequency). This variant has not been reported in the literature in individuals affected with MFSD8-related conditions. Algorithms developed to predict the effect of missense changes on protein structure and function output the following: SIFT: "Tolerated"; PolyPhen-2: "Probably Damaging"; Align-GVGD: "Class C0". The alanine amino acid residue is found in multiple mammalian species, which suggests that this missense change does not adversely affect protein function. In summary, the available evidence is currently insufficient to determine the role of this variant in disease. Therefore, it has been classified as a Variant of Uncertain Significance.

Blueprint Genetics
Classification: Uncertain significance. Last evaluated: 2020-09-24. Review status: criteria provided, single submitter. Criteria: ACMG Guidelines, 2015. Collection method: clinical testing. Allele origin: germline.

Daryl Scott Lab, Baylor College of Medicine
Classification: Uncertain significance for MF5D8-related disorder. Review status: criteria provided, single submitter. Criteria: ACMG Guidelines, 2015. Collection method: clinical testing. Allele origin: unknown. Affected: yes.
Comment: PM2, PP3

Natera, Inc.
Classification: Uncertain significance for Late-infantile neuronal ceroid lipofuscinosis. Last evaluated: 2020-07-19. Review status: no assertion criteria provided. Collection method: clinical testing. Allele origin: germline. Not counted in ClinVar's aggregate classification.